The following is an entry in ClinVar:

NM_000059.4(BRCA2):c.9455del (p.Glu3152fs)

Gene: BRCA2 (BRCA2 DNA repair associated; plus strand). Cytogenetic location: 13q13.1.
Variant type: Deletion.
Coding change: c.9455del on transcript NM_000059.4 (MANE Select); coding-DNA position 9455, one base deleted (A; older notation c.9455delA).
Protein change: p.Glu3152fs; shifts the reading frame from glutamic acid 3152.
Molecular consequence: frameshift variant.
Genome position (GRCh38, 1-based): chr13:32,394,887, A deleted. VCF-style (leftmost placement, unchanged base first): chr13-32394886-GA-G. GRCh37 (hg19) VCF-style: chr13-32969023-GA-G.
Other names: short protein forms E3152fs.
Identifiers: ClinVar variation 1075822 (VCV001075822.7), dbSNP rs2137654231, ClinGen allele CA2499222381.
Genomic context (GRCh38, chr13:32,394,886, plus strand): 5'-AAATCAGGCCTTCTTACTTTATTTGCTGGAGATTTTTCTGTGTTTTCTGCTAGTCCAAAA[GA>G]GGGCCACTTTCAAGAGACATTCAACAAAATGAAAAATACTGTTGAGGTAAGGTTACTTTT-3'

ClinVar aggregate classification (germline): Pathogenic (1 of 4 stars; one submission).

Conditions:
Hereditary breast ovarian cancer syndrome. Also called: Hereditary breast and ovarian cancer; Breast and ovarian cancer; BRCA1- and BRCA2-Associated Hereditary Breast and Ovarian Cancer; Hereditary breast and/or ovarian cancer syndrome; Hereditary breast and ovarian cancer syndrome; Hereditary breast and ovarian cancer syndrome (HBOC). Identifiers: Orphanet 145, MedGen C0677776, MeSH D061325, MONDO:0003582. Disease mechanism: loss of function.

Submission:

Labcorp Genetics (formerly Invitae), Labcorp
Classification: Pathogenic for Hereditary breast ovarian cancer syndrome. Last evaluated: 2022-02-25. Review status: criteria provided, single submitter. Criteria: Invitae Variant Classification Sherloc (09022015). Collection method: clinical testing. Allele origin: germline.
Comment: For these reasons, this variant has been classified as Pathogenic. This sequence change creates a premature translational stop signal (p.Glu3152Glyfs*11) in the BRCA2 gene. It is expected to result in an absent or disrupted protein product. Loss-of-function variants in BRCA2 are known to be pathogenic (PMID: 20104584). This variant is not present in population databases (gnomAD no frequency). This variant has not been reported in the literature in individuals affected with BRCA2-related conditions. ClinVar contains an entry for this variant (Variation ID: 1075822).

Literature cited by the submitters: PubMed 20104584.